The following is an entry in ClinVar:

ClinVar aggregate classification (germline): Uncertain significance. Review status: criteria provided, multiple submitters, no conflicts (2 of 4 stars). 3 submissions from 3 submitters: Uncertain significance (3). Last evaluated 2024-09-08.

Conditions:
MAP2K2-related disorder. Also called: MAP2K2-related condition.
RASopathy. Also called: rasopathies; Noonan spectrum disorder. Identifiers: Orphanet 536391, MedGen C5555857, MONDO:0021060.

Submissions (3):

GeneDx
Classification: Uncertain significance. Last evaluated: 2024-09-08. Review status: criteria provided, single submitter. Criteria: GeneDx Variant Classification Process June 2021. Collection method: clinical testing. Allele origin: germline. Affected: yes.
Comment: Not observed at significant frequency in large population cohorts (gnomAD); Missense variants in this gene are a common cause of disease and they are underrepresented in the general population; In silico analysis indicates that this missense variant does not alter protein structure/function; Has not been previously published as pathogenic or benign to our knowledge

PreventionGenetics, part of Exact Sciences
Classification: Uncertain significance for MAP2K2-related condition. Last evaluated: 2023-08-14. Review status: criteria provided, single submitter. Criteria: ACMG Guidelines, 2015. Collection method: clinical testing. Allele origin: germline.
Comment: The MAP2K2 c.1043A>G variant is predicted to result in the amino acid substitution p.Lys348Arg. To our knowledge, this variant has not been reported in the literature or in a large population database, indicating this variant is rare. At this time, the clinical significance of this variant is uncertain due to the absence of conclusive functional and genetic evidence.

Labcorp Genetics (formerly Invitae), Labcorp
Classification: Uncertain significance for RASopathy. Last evaluated: 2023-05-11. Review status: criteria provided, single submitter. Criteria: Invitae Variant Classification Sherloc (09022015). Collection method: clinical testing. Allele origin: germline.
Comment: In summary, the available evidence is currently insufficient to determine the role of this variant in disease. Therefore, it has been classified as a Variant of Uncertain Significance. Advanced modeling of protein sequence and biophysical properties (such as structural, functional, and spatial information, amino acid conservation, physicochemical variation, residue mobility, and thermodynamic stability) performed at Invitae indicates that this missense variant is not expected to disrupt MAP2K2 protein function. This variant has not been reported in the literature in individuals affected with MAP2K2-related conditions. This variant is not present in population databases (gnomAD no frequency). This sequence change replaces lysine, which is basic and polar, with arginine, which is basic and polar, at codon 348 of the MAP2K2 protein (p.Lys348Arg).

NM_030662.4(MAP2K2):c.1043A>G (p.Lys348Arg)

Gene: MAP2K2 (mitogen-activated protein kinase kinase 2; minus strand). Cytogenetic location: 19p13.3.
Variant type: single nucleotide variant.
Coding change: c.1043A>G on transcript NM_030662.4 (MANE Select); coding-DNA position 1043, A replaced by G.
Protein change: p.Lys348Arg; replaces lysine 348 with arginine.
Molecular consequence: missense variant.
Genome position (GRCh38, 1-based): chr19:4,095,391, T>C on the plus strand (A>G on the coding strand, the complement: MAP2K2 is on the minus strand). VCF-style: chr19-4095391-T-C. GRCh37 (hg19) VCF-style: chr19-4095389-T-C.
Other names: short protein forms K348R.
Identifiers: ClinVar variation 2631794 (VCV002631794.5), dbSNP rs2512303565, ClinGen allele CA403383125.